The following is an entry in ClinVar:

NM_021067.5(GINS1):c.373A>G (p.Met125Val)

Gene: GINS1 (GINS complex subunit 1; plus strand). Cytogenetic location: 20p11.21.
Variant type: single nucleotide variant.
Coding change: c.373A>G on transcript NM_021067.5 (MANE Select); coding-DNA position 373, A replaced by G.
Protein change: p.Met125Val; replaces methionine 125 with valine.
Molecular consequence: missense variant. On other transcripts: non-coding transcript variant (1), intron variant (1).
Genome position (GRCh38, 1-based): chr20:25,425,253, A>G. VCF-style: chr20-25425253-A-G. GRCh37 (hg19) VCF-style: chr20-25405889-A-G.
Other names: c.118A>G, p.Met40Val (NM_001410831.1); c.330+7058A>G (NM_001410830.1); short protein forms M125V, M40V.
Identifiers: ClinVar variation 3654439 (VCV003654439.2).

ClinVar aggregate classification (germline): Uncertain significance (1 of 4 stars; one submission).

Submission:

Labcorp Genetics (formerly Invitae), Labcorp
Classification: Uncertain significance. Last evaluated: 2024-05-23. Review status: criteria provided, single submitter. Criteria: Invitae Variant Classification Sherloc (09022015). Collection method: clinical testing. Allele origin: germline.
Comment: This sequence change replaces methionine, which is neutral and non-polar, with valine, which is neutral and non-polar, at codon 125 of the GINS1 protein (p.Met125Val). This variant is not present in population databases (gnomAD no frequency). This variant has not been reported in the literature in individuals affected with GINS1-related conditions. An algorithm developed to predict the effect of missense changes on protein structure and function (PolyPhen-2) suggests that this variant is likely to be disruptive. In summary, the available evidence is currently insufficient to determine the role of this variant in disease. Therefore, it has been classified as a Variant of Uncertain Significance.